The following is an entry in ClinVar:

NM_018993.4(RIN2):c.58-126_58-117del

Gene: RIN2 (Ras and Rab interactor 2; plus strand). Cytogenetic location: 20p11.23.
Variant type: Deletion.
Coding change: c.58-126_58-117del on transcript NM_018993.4 (MANE Select); 126 bases into the intron before coding-DNA position 58 through 117 bases into the intron before coding-DNA position 58, 10 bases deleted (AAAAAAAAAA; older notation c.58-126_58-117delAAAAAAAAAA).
Molecular consequence: intron variant.
Genome position (GRCh38, 1-based): chr20:19,934,973-19,934,982, AAAAAAAAAA deleted; deleting any 10 consecutive bases within chr20:19,934,968-19,934,982 gives the same sequence; the c. name uses the placement nearest the transcript's 3' end. VCF-style (leftmost placement, unchanged base first): chr20-19934967-TAAAAAAAAAA-T. GRCh37 (hg19) VCF-style: chr20-19915611-TAAAAAAAAAA-T.
Other names: c.-488-126_-488-117del (NM_001378238.1); c.205-126_205-117del (NM_001242581.2).
Identifiers: ClinVar variation 2413036 (VCV002413036.3), dbSNP rs370429459, ClinGen allele CA312912905.

ClinVar aggregate classification (germline): Likely benign (1 of 4 stars; one submission).

Submission:

GeneDx
Classification: Likely benign. Last evaluated: 2022-02-17. Review status: criteria provided, single submitter. Criteria: GeneDx Variant Classification Process June 2021. Collection method: clinical testing. Allele origin: germline. Affected: yes.
Comment: See Variant Classification Assertion Criteria.